The following is an entry in ClinVar:

NM_000179.3(MSH6):c.3855C>G (p.Phe1285Leu)

Gene: MSH6 (mutS homolog 6; plus strand). Cytogenetic location: 2p16.3.
Variant type: single nucleotide variant.
Coding change: c.3855C>G on transcript NM_000179.3 (MANE Select); coding-DNA position 3855, C replaced by G.
Protein change: p.Phe1285Leu; replaces phenylalanine 1285 with leucine.
Molecular consequence: missense variant.
Genome position (GRCh38, 1-based): chr2:47,806,505, C>G. VCF-style: chr2-47806505-C-G. GRCh37 (hg19) VCF-style: chr2-48033644-C-G.
Other names: c.3465C>G, p.Phe1155Leu (NM_001281492.2); c.2949C>G, p.Phe983Leu (NM_001281493.2, NM_001281494.2); short protein forms F1155L, F1285L, F983L.
Identifiers: ClinVar variation 1022778 (VCV001022778.12), dbSNP rs1553333455, ClinGen allele CA346761320.
Genomic context (GRCh38, chr2:47,806,505, plus strand): 5'-TCTTAAGGCATGCATGGTAGAAAATGAATGTGAAGACCCCAGCCAGGAGACTATTACGTT[C>G]CTCTATAAATTCATTAAGGGAGCTTGTCCTAAAAGCTATGGCTTTAATGCAGCAAGGCTT-3'
Protein context (NP_000170.1, residues 1275-1295): CEDPSQETIT[Phe1285Leu]LYKFIKGACP

ClinVar aggregate classification (germline): Uncertain significance. Review status: criteria provided, multiple submitters, no conflicts (2 of 4 stars). 2 submissions from 2 submitters: Uncertain significance (2). Last evaluated 2023-10-06.

Conditions:
Endometrial carcinoma. Also called: Endometrial carcinoma, somatic. Identifiers: MedGen C0476089, MONDO:0002447, OMIM 608089, HP:0012114.
Hereditary nonpolyposis colorectal neoplasms. Identifiers: MedGen C0009405, MeSH D003123.

Submissions (2):

Baylor Genetics
Classification: Uncertain significance for Endometrial carcinoma. Last evaluated: 2023-10-06. Review status: criteria provided, single submitter. Criteria: ACMG Guidelines, 2015. Collection method: clinical testing. Allele origin: unknown.

Labcorp Genetics (formerly Invitae), Labcorp
Classification: Uncertain significance for Hereditary nonpolyposis colorectal neoplasms. Last evaluated: 2023-05-22. Review status: criteria provided, single submitter. Criteria: Invitae Variant Classification Sherloc (09022015). Collection method: clinical testing. Allele origin: germline.
Comment: This variant has not been reported in the literature in individuals affected with MSH6-related conditions. This variant is not present in population databases (gnomAD no frequency). This sequence change replaces phenylalanine, which is neutral and non-polar, with leucine, which is neutral and non-polar, at codon 1285 of the MSH6 protein (p.Phe1285Leu). ClinVar contains an entry for this variant (Variation ID: 1022778). In summary, the available evidence is currently insufficient to determine the role of this variant in disease. Therefore, it has been classified as a Variant of Uncertain Significance. Advanced modeling of protein sequence and biophysical properties (such as structural, functional, and spatial information, amino acid conservation, physicochemical variation, residue mobility, and thermodynamic stability) has been performed at Invitae for this missense variant, however the output from this modeling did not meet the statistical confidence thresholds required to predict the impact of this variant on MSH6 protein function.